The following is an entry in ClinVar:

NM_001363118.2(SLC52A2):c.820G>C (p.Ala274Pro)

Gene: SLC52A2 (solute carrier family 52 member 2; plus strand). Cytogenetic location: 8q24.3.
Variant type: single nucleotide variant.
Coding change: c.820G>C on transcript NM_001363118.2 (MANE Select); coding-DNA position 820, G replaced by C.
Protein change: p.Ala274Pro; replaces alanine 274 with proline.
Molecular consequence: missense variant. On other transcripts: non-coding transcript variant (1).
Genome position (GRCh38, 1-based): chr8:144,360,312, G>C. VCF-style: chr8-144360312-G-C. GRCh37 (hg19) VCF-style: chr8-145583972-G-C.
Other names: c.820G>C, p.Ala274Pro (NM_001253815.2, NM_001253816.2, NM_001363120.2 and 5 more transcripts); c.328G>C, p.Ala110Pro (NM_001363122.2, NM_001438089.1, NM_001438494.1 and 2 more transcripts); c.556G>C, p.Ala186Pro (NM_001410949.1); short protein forms A110P, A186P, A274P.
Identifiers: ClinVar variation 4534544 (VCV004534544.6).

ClinVar aggregate classification (germline): Uncertain significance (1 of 4 stars; one submission).

gnomAD v4.1: 1 of 1,610,328 alleles (0.000062%); no homozygotes.

Submission:

CeGaT Center for Human Genetics Tuebingen
Classification: Uncertain significance. Last evaluated: 2025-10-01. Review status: criteria provided, single submitter. Criteria: CeGaT Center For Human Genetics Tuebingen Variant Classification Criteria Version 2. Collection method: clinical testing. Allele origin: germline. Affected: yes. Observed: 1 variant allele.
Comment: SLC52A2: PM2, PP3